The following is an entry in ClinVar:

NM_001458.5(FLNC):c.4548C>T (p.Ala1516=)

Gene: FLNC (filamin C; plus strand). Cytogenetic location: 7q32.1.
Variant type: single nucleotide variant.
Coding change: c.4548C>T on transcript NM_001458.5 (MANE Select); coding-DNA position 4548, C replaced by T.
Protein change: p.Ala1516=; no amino-acid change (alanine 1516 retained).
Molecular consequence: synonymous variant.
Genome position (GRCh38, 1-based): chr7:128,848,036, C>T. VCF-style: chr7-128848036-C-T. GRCh37 (hg19) VCF-style: chr7-128488090-C-T.
Other names: c.4548C>T, p.Ala1516= (NM_001127487.2).
Identifiers: ClinVar variation 1102971 (VCV001102971.26), dbSNP rs376441465, ClinGen allele CA4475373.

ClinVar aggregate classification (germline): Likely benign. Review status: criteria provided, multiple submitters, no conflicts (2 of 4 stars). 4 submissions from 4 submitters: Likely benign (4). Last evaluated 2026-02-03.

Conditions:
Distal myopathy with posterior leg and anterior hand involvement. Also called: WILLIAMS DISTAL MYOPATHY. Identifiers: Orphanet 63273, MedGen C3279722, MONDO:0013550, OMIM 614065.
Hypertrophic cardiomyopathy 26. Also called: Cardiomyopathy, familial hypertrophic, 26. Identifiers: Orphanet 75249, MedGen C4310749, MONDO:0014883, OMIM 617047.
Myofibrillar myopathy 5. Also called: Filaminopathy (type); FILAMINOPATHY, AUTOSOMAL DOMINANT. Identifiers: Orphanet 171445, MedGen C1836050, MONDO:0012289, OMIM 609524.
Cardiovascular phenotype. Identifiers: MedGen CN230736.

Allele frequency attached by ClinVar (database versions not stated): ExAC 0.00001; gnomAD 0.00001; gnomAD exomes 0.00001; ESP Exome Variant Server 0.00008.
gnomAD v4.1: 10 of 1,606,766 alleles (0.00062%); highest among the groups gnomAD compares: Middle Eastern, 0.017%; no homozygotes.

Submissions (4):

Women's Health and Genetics/Laboratory Corporation of America, LabCorp
Classification: Likely benign. Last evaluated: 2026-02-03. Review status: criteria provided, single submitter. Criteria: LabCorp Variant Classification Summary - May 2015. Collection method: clinical testing. Allele origin: germline.

Labcorp Genetics (formerly Invitae), Labcorp
Classification: Likely benign for Distal myopathy with posterior leg and anterior hand involvement; Myofibrillar myopathy 5; Hypertrophic cardiomyopathy 26. Last evaluated: 2024-12-02. Review status: criteria provided, single submitter. Criteria: Invitae Variant Classification Sherloc (09022015). Collection method: clinical testing. Allele origin: germline.

CeGaT Center for Human Genetics Tuebingen
Classification: Likely benign. Last evaluated: 2024-09-01. Review status: criteria provided, single submitter. Criteria: CeGaT Center For Human Genetics Tuebingen Variant Classification Criteria Version 2. Collection method: clinical testing. Allele origin: germline. Affected: yes. Observed: 1 variant allele.
Comment: FLNC: BP4, BP7

Ambry Genetics
Classification: Likely benign for Cardiovascular phenotype. Last evaluated: 2022-10-17. Review status: criteria provided, single submitter. Criteria: Ambry Variant Classification Scheme 2023. Collection method: clinical testing. Allele origin: germline.